The following is an entry in ClinVar:

NM_001146.5(ANGPT1):c.311T>C (p.Ile104Thr)

Gene: ANGPT1 (angiopoietin 1; minus strand). Cytogenetic location: 8q23.1.
Variant type: single nucleotide variant.
Coding change: c.311T>C on transcript NM_001146.5 (MANE Select); coding-DNA position 311, T replaced by C.
Protein change: p.Ile104Thr; replaces isoleucine 104 with threonine.
Molecular consequence: missense variant.
Genome position (GRCh38, 1-based): chr8:107,347,084, A>G on the plus strand (T>C on the coding strand, the complement: ANGPT1 is on the minus strand). VCF-style: chr8-107347084-A-G. GRCh37 (hg19) VCF-style: chr8-108359312-A-G.
Other names: c.311T>C, p.Ile104Thr (NM_001199859.3); short protein forms I104T.
Identifiers: ClinVar variation 2890972 (VCV002890972.3), dbSNP rs1815822339, ClinGen allele CA372035026.

ClinVar aggregate classification (germline): Uncertain significance (1 of 4 stars; one submission).

Allele frequency attached by ClinVar (database versions not stated): gnomAD exomes below 0.00001; TOPMed below 0.00001.
gnomAD v4.1: 5 of 1,613,058 alleles (0.00031%); highest among the groups gnomAD compares: Admixed American, 0.0017%; no homozygotes.

Submission:

Labcorp Genetics (formerly Invitae), Labcorp
Classification: Uncertain significance. Last evaluated: 2024-10-09. Review status: criteria provided, single submitter. Criteria: Invitae Variant Classification Sherloc (09022015). Collection method: clinical testing. Allele origin: germline.
Comment: This sequence change replaces isoleucine, which is neutral and non-polar, with threonine, which is neutral and polar, at codon 104 of the ANGPT1 protein (p.Ile104Thr). This variant is not present in population databases (gnomAD no frequency). This variant has not been reported in the literature in individuals affected with ANGPT1-related conditions. An algorithm developed to predict the effect of missense changes on protein structure and function (PolyPhen-2) suggests that this variant is likely to be tolerated. In summary, the available evidence is currently insufficient to determine the role of this variant in disease. Therefore, it has been classified as a Variant of Uncertain Significance.